The following is an entry in ClinVar:

NM_030662.4(MAP2K2):c.531T>C (p.Val177=)

Gene: MAP2K2 (mitogen-activated protein kinase kinase 2; minus strand). Cytogenetic location: 19p13.3.
Variant type: single nucleotide variant.
Coding change: c.531T>C on transcript NM_030662.4 (MANE Select); coding-DNA position 531, T replaced by C.
Protein change: p.Val177=; no amino-acid change (valine 177 retained).
Molecular consequence: synonymous variant.
Genome position (GRCh38, 1-based): chr19:4,101,278, A>G on the plus strand (T>C on the coding strand, the complement: MAP2K2 is on the minus strand). VCF-style: chr19-4101278-A-G. GRCh37 (hg19) VCF-style: chr19-4101276-A-G.
Identifiers: ClinVar variation 632884 (VCV000632884.6), dbSNP rs528169616, ClinGen allele CA9090908.

ClinVar aggregate classification (germline): Conflicting classifications of pathogenicity. Review status: criteria provided, conflicting classifications (1 of 4 stars). 3 submissions from 3 submitters: Uncertain significance (1); Likely benign (2). Last evaluated 2025-08-13.

Conditions:
Cardiovascular phenotype. Identifiers: MedGen CN230736.
RASopathy. Also called: rasopathies; Noonan spectrum disorder. Identifiers: Orphanet 536391, MedGen C5555857, MONDO:0021060.

Allele frequency attached by ClinVar (database versions not stated): gnomAD exomes 0.00001; 1000 Genomes Project 0.00020; gnomAD 0.00001; ExAC 0.00003; 1000 Genomes Project 30x 0.00016.
gnomAD v4.1: 8 of 1,581,246 alleles (0.00051%); highest among the groups gnomAD compares: East Asian, 0.018%; no homozygotes.

Submissions (3):

Labcorp Genetics (formerly Invitae), Labcorp
Classification: Likely benign for RASopathy. Last evaluated: 2025-08-13. Review status: criteria provided, single submitter. Criteria: Invitae Variant Classification Sherloc (09022015). Collection method: clinical testing. Allele origin: germline.

Ambry Genetics
Classification: Likely benign for Cardiovascular phenotype. Last evaluated: 2024-11-10. Review status: criteria provided, single submitter. Criteria: Ambry Variant Classification Scheme 2023. Collection method: clinical testing. Allele origin: germline.

Women's Health and Genetics/Laboratory Corporation of America, LabCorp
Classification: Uncertain significance. Last evaluated: 2019-08-29. Review status: criteria provided, single submitter. Criteria: LabCorp Variant Classification Summary - May 2015. Collection method: clinical testing. Allele origin: germline.
Comment: Variant summary: MAP2K2 c.531T>C (p.Val177Val) alters a non-conserved nucleotide located close to a canonical splice site and therefore could affect mRNA splicing, leading to a significantly altered protein sequence. 5/5 computational tools predict no significant impact on normal splicing. However, these predictions have yet to be confirmed by functional studies. The variant allele was found at a frequency of 1e-05 in 196452 control chromosomes (gnomAD). The available data on variant occurrences in the general population are insufficient to allow any conclusion about variant significance. To our knowledge, no occurrence of c.531T>C in individuals affected with Noonan Syndrome and Related Conditions and no experimental evidence demonstrating its impact on protein function have been reported. No clinical diagnostic laboratories have submitted clinical-significance assessments for this variant to ClinVar after 2014. Based on the evidence outlined above, the variant was classified as VUS-possibly benign.